The following is an entry in ClinVar:

ClinVar aggregate classification (germline): Likely pathogenic (1 of 4 stars; one submission).

Conditions:
Dilated cardiomyopathy 1G (CMD1G). Identifiers: Orphanet 154, MedGen C1858763, MONDO:0011400, OMIM 604145.
Autosomal recessive limb-girdle muscular dystrophy type 2J (LGMDR10). Also called: Limb-girdle muscular dystrophy, type 2J; MUSCULAR DYSTROPHY, LIMB-GIRDLE, AUTOSOMAL RECESSIVE 10. Identifiers: Orphanet 140922, MedGen C1837342, MONDO:0012127, OMIM 608807.

Submission:

Labcorp Genetics (formerly Invitae), Labcorp
Classification: Likely pathogenic for Dilated cardiomyopathy 1G; Autosomal recessive limb-girdle muscular dystrophy type 2J. Last evaluated: 2022-07-09. Review status: criteria provided, single submitter. Criteria: Invitae Variant Classification Sherloc (09022015). Collection method: clinical testing. Allele origin: germline.
Comment: In summary, the currently available evidence indicates that the variant is pathogenic, but additional data are needed to prove that conclusively. Therefore, this variant has been classified as Likely Pathogenic. This variant is located in the A band of TTN (PMID: 25589632). Truncating variants in this region are significantly overrepresented in patients affected with dilated cardiomyopathy (PMID: 25589632). Truncating variants in this region have also been reported in individuals affected with autosomal recessive centronuclear myopathy (PMID: 23975875). This variant has not been reported in the literature in individuals affected with TTN-related conditions. This variant is not present in population databases (gnomAD no frequency). This sequence change creates a premature translational stop signal (p.Ser24252Argfs*29) in the TTN gene. While this is not anticipated to result in nonsense mediated decay, it is expected to create a truncated TTN protein.

Literature cited by the submitters: PubMed 25589632; PubMed 23975875.

NM_001267550.2(TTN):c.72756del (p.Ser24252fs)

Genes: TTN-AS1 (TTN antisense RNA 1; plus strand), TTN (titin; minus strand). Cytogenetic location: 2q31.2.
Variant type: Deletion.
Coding change: c.72756del on transcript NM_001267550.2 (MANE Select); coding-DNA position 72756, one base deleted (T; older notation c.72756delT).
Protein change: p.Ser24252fs; shifts the reading frame from serine 24252.
Molecular consequence: frameshift variant.
Genome position (GRCh38, 1-based): chr2:178,573,376, A deleted on the plus strand (T on the coding strand, the reverse complement: TTN is on the minus strand). VCF-style (leftmost placement, unchanged base first): chr2-178573375-CA-C. GRCh37 (hg19) VCF-style: chr2-179438102-CA-C.
Other names: c.67833del, p.Ser22611fs (NM_001256850.1); c.45561del, p.Ser15187fs (NM_003319.4); c.65052del, p.Ser21684fs (NM_133378.4); c.45936del, p.Ser15312fs (NM_133432.3); c.46137del, p.Ser15379fs (NM_133437.4); short protein forms S21684fs, S15312fs, S24252fs, S15187fs, S15379fs, S22611fs.
Identifiers: ClinVar variation 2117802 (VCV002117802.4), dbSNP rs2468582394, ClinGen allele CA2580064824.